The following is an entry in ClinVar:

NM_001035.3(RYR2):c.5203A>G (p.Ser1735Gly)

Gene: RYR2 (ryanodine receptor 2; plus strand). Cytogenetic location: 1q43.
Variant type: single nucleotide variant.
Coding change: c.5203A>G on transcript NM_001035.3 (MANE Select); coding-DNA position 5203, A replaced by G.
Protein change: p.Ser1735Gly; replaces serine 1735 with glycine.
Molecular consequence: missense variant.
Genome position (GRCh38, 1-based): chr1:237,614,331, A>G. VCF-style: chr1-237614331-A-G. GRCh37 (hg19) VCF-style: chr1-237777631-A-G.
Other names: short protein forms S1735G.
Identifiers: ClinVar variation 3021953 (VCV003021953.3), dbSNP rs2546792809, ClinGen allele CA345404252.

ClinVar aggregate classification (germline): Uncertain significance (1 of 4 stars; one submission).

Conditions:
Catecholaminergic polymorphic ventricular tachycardia 1. Also called: VENTRICULAR TACHYCARDIA, STRESS-INDUCED POLYMORPHIC 1; RYR2-Related Catecholaminergic Polymorphic Ventricular Tachycardia; VENTRICULAR TACHYCARDIA, CATECHOLAMINERGIC POLYMORPHIC, 1, WITH OR WITHOUT ATRIAL DYSFUNCTION AND/OR DILATED CARDIOMYOPATHY. Identifiers: Orphanet 3286, MedGen C1631597, MONDO:0011484, OMIM 604772.

Allele frequency attached by ClinVar (database versions not stated): gnomAD exomes below 0.00001.
gnomAD v4.1: 1 of 1,614,050 alleles (0.000062%); highest among the groups gnomAD compares: South Asian, 0.0011%; no homozygotes.

Submission:

Labcorp Genetics (formerly Invitae), Labcorp
Classification: Uncertain significance for Catecholaminergic polymorphic ventricular tachycardia 1. Last evaluated: 2023-10-06. Review status: criteria provided, single submitter. Criteria: Invitae Variant Classification Sherloc (09022015). Collection method: clinical testing. Allele origin: germline.
Comment: This sequence change replaces serine, which is neutral and polar, with glycine, which is neutral and non-polar, at codon 1735 of the RYR2 protein (p.Ser1735Gly). This variant is not present in population databases (gnomAD no frequency). This variant has not been reported in the literature in individuals affected with RYR2-related conditions. Advanced modeling of protein sequence and biophysical properties (such as structural, functional, and spatial information, amino acid conservation, physicochemical variation, residue mobility, and thermodynamic stability) performed at Invitae indicates that this missense variant is not expected to disrupt RYR2 protein function. In summary, the available evidence is currently insufficient to determine the role of this variant in disease. Therefore, it has been classified as a Variant of Uncertain Significance.